The following is an entry in ClinVar:

ClinVar aggregate classification (germline): Pathogenic. Review status: reviewed by expert panel (3 of 4 stars). 2 submissions from 2 submitters: Pathogenic (1). 1 of the submissions does not count toward it. Last evaluated 2016-09-08.

Conditions:
Breast-ovarian cancer, familial, susceptibility to, 1 (BROVCA1). Also called: BRCA1 Hereditary Breast and Ovarian Cancer; OVARIAN CANCER, SUSCEPTIBILITY TO. Identifiers: Orphanet 145, MedGen C2676676, MONDO:0011450, OMIM 604370. Disease mechanism: loss of function.

Submissions (2):

Evidence-based Network for the Interpretation of Germline Mutant Alleles (ENIGMA)
Classification: Pathogenic for Breast-ovarian cancer, familial, susceptibility to, 1. Last evaluated: 2016-09-08. Review status: reviewed by expert panel. Criteria: ENIGMA BRCA1/2 Classification Criteria (2015). Collection method: curation. Allele origin: germline.
Comment: Variant allele predicted to encode a truncated non-functional protein.

Breast Cancer Information Core (BIC) (BRCA1)
Classification: Pathogenic for Breast-ovarian cancer, familial 1. Review status: no assertion criteria provided. Collection method: clinical testing. Allele origin: germline. Affected: yes. Observed: 1 variant allele. Not counted in ClinVar's aggregate classification.

NM_007294.4(BRCA1):c.399_400del (p.Ala134fs)

Gene: BRCA1 (BRCA1 DNA repair associated; minus strand). Cytogenetic location: 17q21.31.
Variant type: Deletion.
Coding change: c.399_400del on transcript NM_007294.4 (MANE Select); coding-DNA positions 399 to 400, 2 bases deleted (TG; older notation c.399_400delTG).
Protein change: p.Ala134fs; shifts the reading frame from alanine 134.
Molecular consequence: frameshift variant. On other transcripts: non-coding transcript variant (1).
Genome position (GRCh38, 1-based): chr17:43,104,163-43,104,164, CA deleted on the plus strand (TG on the coding strand, the reverse complement: BRCA1 is on the minus strand); deleting any 2 consecutive bases within chr17:43,104,163-43,104,165 gives the same sequence; the c. name uses the placement nearest the transcript's 3' end. VCF-style (leftmost placement, unchanged base first): chr17-43104162-GCA-G. GRCh37 (hg19) VCF-style: chr17-41256179-GCA-G.
Other names: 517delGT; c.399_400delTG (NM_007294.3); c.188_189delGT, p.Ala64Glnfs (NM_001407571.1, NM_001407853.1, NM_001407879.1 and 58 more transcripts); c.398_399delGT, p.Ala134Glnfs (NM_001407581.1, NM_001407582.1, NM_001407583.1 and 163 more transcripts); c.389_390delGT, p.Ala131Glnfs (NM_001407646.1, NM_001407647.1, NM_001408408.1); c.320_321delGT, p.Ala108Glnfs (NM_001407653.1, NM_001407654.1, NM_001407655.1 and 21 more transcripts); c.257_258delGT, p.Ala87Glnfs (NM_001407692.1, NM_001407694.1, NM_001407695.1 and 98 more transcripts); c.17_18delGT, p.Ala7Glnfs (NM_001407959.1, NM_001407960.1, NM_001407962.1 and 4 more transcripts); and 3 more; short protein forms A134fs, A87fs.
Identifiers: ClinVar variation 55071 (VCV000055071.4), dbSNP rs80357568, ClinGen allele CA002554.